The following is an entry in ClinVar:

NM_000077.5(CDKN2A):c.208C>A (p.Pro70Thr)

Gene: CDKN2A (cyclin dependent kinase inhibitor 2A; minus strand). Cytogenetic location: 9p21.3.
Variant type: single nucleotide variant.
Coding change: c.208C>A on transcript NM_000077.5; coding-DNA position 208, C replaced by A.
Protein change: p.Pro70Thr; replaces proline 70 with threonine.
Molecular consequence: missense variant (on NM_000077.6). On other transcripts: 3 prime UTR variant (1).
Genome position (GRCh38, 1-based): chr9:21,971,151, G>T on the plus strand (C>A on the coding strand, the complement: CDKN2A is on the minus strand). VCF-style: chr9-21971151-G-T. GRCh37 (hg19) VCF-style: chr9-21971150-G-T.
Other names: c.208C>A, p.Pro70Thr (NM_000077.6, NM_001195132.2); c.55C>A, p.Pro19Thr (NM_001363763.2); c.251C>A, p.Ala84Asp (NM_058195.4); c.*131C>A (NM_058197.5); short protein forms A84D, P70T, P19T.
Identifiers: ClinVar variation 1374577 (VCV001374577.9), dbSNP rs1819718265, ClinGen allele CA373086328.

ClinVar aggregate classification (germline): Uncertain significance. Review status: criteria provided, multiple submitters, no conflicts (2 of 4 stars). 2 submissions from 2 submitters: Uncertain significance (2). Last evaluated 2025-11-12.

Conditions:
Familial melanoma. Also called: Hereditary melanoma; Hereditary cutaneous melanoma. Identifiers: Orphanet 618, MedGen C1512419, MONDO:0018961.
Hereditary cancer-predisposing syndrome. Also called: Hereditary neoplastic syndrome; Hereditary Cancer Syndrome; Tumor predisposition; Neoplastic Syndromes, Hereditary. Identifiers: Orphanet 140162, MedGen C0027672, MeSH D009386, MONDO:0015356.

Allele frequency attached by ClinVar (database versions not stated): gnomAD exomes below 0.00001.
gnomAD v4.1: 4 of 1,594,182 alleles (0.00025%); highest among the groups gnomAD compares: Non-Finnish European, 0.00034%; no homozygotes.

Submissions (2):

Ambry Genetics
Classification: Uncertain significance for Hereditary cancer-predisposing syndrome. Last evaluated: 2025-11-12. Review status: criteria provided, single submitter. Criteria: Ambry Variant Classification Scheme 2023. Collection method: clinical testing. Allele origin: germline.
Comment: The p.P70T variant (also known as c.208C>A), located in coding exon 2 of the CDKN2A gene, results from a C to A substitution at nucleotide position 208. The proline at codon 70 is replaced by threonine, an amino acid with highly similar properties. This amino acid position is well conserved in available vertebrate species. In addition, the in silico prediction for this alteration is inconclusive. Of note, this variant is also known as c.251C>A (p.A84D) in the p14(ARF) isoform. Based on the available evidence, the clinical significance of this variant remains unclear.

Labcorp Genetics (formerly Invitae), Labcorp
Classification: Uncertain significance for Familial melanoma. Last evaluated: 2025-05-06. Review status: criteria provided, single submitter. Criteria: Invitae Variant Classification Sherloc (09022015). Collection method: clinical testing. Allele origin: germline.
Comment: The CDKN2A gene encodes two different proteins, p16INK4a and p14ARF, which are translated from alternative transcripts with different open reading frames. Both transcripts have been analyzed. We report either the variant with the higher classification or default to the CDKN2A (p16INK4a) variant. This report therefore includes the details for the CDKN2A (p16INK4a) variant. This sequence change replaces proline, which is neutral and non-polar, with threonine, which is neutral and polar, at codon 70 of the CDKN2A (p16INK4a) protein (p.Pro70Thr). This variant is not present in population databases (gnomAD no frequency). This variant has not been reported in the literature in individuals affected with CDKN2A (p16INK4a)-related conditions. This variant is also known as c.251C>A (p.Ala84Asp) in the CDKN2A (p14ARF) transcript. ClinVar contains an entry for this variant (Variation ID: 1374577). An algorithm developed to predict the effect of missense changes on protein structure and function (PolyPhen-2) suggests that this variant is likely to be disruptive. In summary, the available evidence is currently insufficient to determine the role of this variant in disease. Therefore, it has been classified as a Variant of Uncertain Significance.